The following is an entry in ClinVar:

ClinVar aggregate classification (germline): Uncertain significance (1 of 4 stars; one submission).

Conditions:
Primary dilated cardiomyopathy (DCM). Also called: Dilated Cardiomyopathy. Identifiers: Orphanet 217604, MedGen C0007193, MeSH D002311, MONDO:0005021, HP:0001644. Inheritance: Various modes of inheritance.

Allele frequency attached by ClinVar (database versions not stated): gnomAD exomes 0.00001.
gnomAD v4.1: 7 of 1,533,368 alleles (0.00046%); highest among the groups gnomAD compares: Non-Finnish European, 0.00061%; no homozygotes.

Submission:

Labcorp Genetics (formerly Invitae), Labcorp
Classification: Uncertain significance for Primary dilated cardiomyopathy. Last evaluated: 2022-03-02. Review status: criteria provided, single submitter. Criteria: Invitae Variant Classification Sherloc (09022015). Collection method: clinical testing. Allele origin: germline.
Comment: In summary, the available evidence is currently insufficient to determine the role of this variant in disease. Therefore, it has been classified as a Variant of Uncertain Significance. Experimental studies and prediction algorithms are not available or were not evaluated, and the functional significance of this variant is currently unknown. This variant has not been reported in the literature in individuals affected with TXNRD2-related conditions. The frequency data for this variant in the population databases is considered unreliable, as metrics indicate poor data quality at this position in the gnomAD database. This sequence change affects the initiator methionine of the TXNRD2 mRNA. The next in-frame methionine is located at codon 4.

NM_006440.5(TXNRD2):c.1A>G (p.Met1Val)

Genes: COMT (catechol-O-methyltransferase; plus strand), TXNRD2 (thioredoxin reductase 2; minus strand). Cytogenetic location: 22q11.21.
Variant type: single nucleotide variant.
Coding change: c.1A>G on transcript NM_006440.5 (MANE Select); coding-DNA position 1, A replaced by G.
Protein change: p.Met1Val; changes the start codon (methionine 1).
Molecular consequence: missense variant, initiator codon variant. On other transcripts: non-coding transcript variant (1), 5 prime UTR variant (2).
Genome position (GRCh38, 1-based): chr22:19,941,803, T>C on the plus strand (A>G on the coding strand, the complement: TXNRD2 is on the minus strand). VCF-style: chr22-19941803-T-C. GRCh37 (hg19) VCF-style: chr22-19929326-T-C.
Other names: c.1A>G, p.Met1Val (NM_001282512.3, NM_001352300.2); c.-186T>C (NM_000754.4); c.-480T>C (NM_001362828.2); short protein forms M1V.
Identifiers: ClinVar variation 1949005 (VCV001949005.6), dbSNP rs1173322116, ClinGen allele CA410700189.